The following is an entry in ClinVar:

ClinVar aggregate classification (germline): Uncertain significance (1 of 4 stars; one submission).

Conditions:
Multiple endocrine neoplasia type 4. Also called: MULTIPLE ENDOCRINE NEOPLASIA, TYPE IV. Identifiers: Orphanet 276152, MedGen C1970712, MONDO:0012552, OMIM 610755.

Submission:

Labcorp Genetics (formerly Invitae), Labcorp
Classification: Uncertain significance for Multiple endocrine neoplasia type 4. Last evaluated: 2020-03-18. Review status: criteria provided, single submitter. Criteria: Invitae Variant Classification Sherloc (09022015). Collection method: clinical testing. Allele origin: germline.
Comment: Experimental studies and prediction algorithms are not available or were not evaluated, and the functional significance of this variant is currently unknown. This variant has not been reported in the literature in individuals with CDKN1B-related conditions. This variant is not present in population databases (ExAC no frequency). This sequence change results in a frameshift in the CDKN1B gene (p.Ala145Serfs*60). While this is not anticipated to result in nonsense mediated decay, it is expected to disrupt the last 54 amino acids of the CDKN1B protein and extend the protein by an additional 5 amino acids. In summary, the available evidence is currently insufficient to determine the role of this variant in disease. Therefore, it has been classified as a Variant of Uncertain Significance.

NM_004064.5(CDKN1B):c.432dup (p.Ala145fs)

Gene: CDKN1B (cyclin dependent kinase inhibitor 1B; plus strand). Cytogenetic location: 12p13.1.
Variant type: Duplication.
Coding change: c.432dup on transcript NM_004064.5 (MANE Select); coding-DNA position 432, one base duplicated (A; older notation c.432dupA).
Protein change: p.Ala145fs; shifts the reading frame from alanine 145.
Molecular consequence: frameshift variant.
Genome position (GRCh38, 1-based): chr12:12,718,271, A duplicated. VCF-style (leftmost placement, unchanged base first): chr12-12718270-T-TA. GRCh37 (hg19) VCF-style: chr12-12871204-T-TA.
Other names: short protein forms A145fs.
Identifiers: ClinVar variation 1060117 (VCV001060117.9), dbSNP rs2136356527, ClinGen allele CA2499221488.
Genomic context (GRCh38, chr12:12,718,270, plus strand): 5'-ACTCTGAGGACACGCATTTGGTGGACCCAAAGACTGATCCGTCGGACAGCCAGACGGGGT[T>TA]AGCGGAGCAATGCGCAGGAATAAGGAAGCGACCTGCAACCGACGGTAATGACCCTTTCCC-3'